The following is an entry in ClinVar:

ClinVar aggregate classification (germline): Uncertain significance. Review status: criteria provided, multiple submitters, no conflicts (2 of 4 stars). 2 submissions from 2 submitters: Uncertain significance (2). Last evaluated 2026-07-29.

Conditions:
Inborn genetic diseases. Identifiers: MedGen C0950123, MeSH D030342.

Submissions (2):

Ambry Genetics
Classification: Uncertain significance for Inborn genetic diseases. Last evaluated: 2026-07-29. Review status: criteria provided, single submitter. Criteria: Ambry Variant Classification Scheme 2023. Collection method: clinical testing. Allele origin: germline.

Labcorp Genetics (formerly Invitae), Labcorp
Classification: Uncertain significance. Last evaluated: 2022-11-22. Review status: criteria provided, single submitter. Criteria: Invitae Variant Classification Sherloc (09022015). Collection method: clinical testing. Allele origin: germline.
Comment: In summary, the available evidence is currently insufficient to determine the role of this variant in disease. Therefore, it has been classified as a Variant of Uncertain Significance. Advanced modeling of protein sequence and biophysical properties (such as structural, functional, and spatial information, amino acid conservation, physicochemical variation, residue mobility, and thermodynamic stability) performed at Invitae indicates that this missense variant is expected to disrupt EDNRB protein function. ClinVar contains an entry for this variant (Variation ID: 1493141). This variant has not been reported in the literature in individuals affected with EDNRB-related conditions. This variant is not present in population databases (gnomAD no frequency). This sequence change replaces alanine, which is neutral and non-polar, with threonine, which is neutral and polar, at codon 144 of the EDNRB protein (p.Ala144Thr).

NM_001122659.3(EDNRB):c.430G>A (p.Ala144Thr)

Gene: EDNRB (endothelin receptor type B; minus strand). Cytogenetic location: 13q22.3.
Variant type: single nucleotide variant.
Coding change: c.430G>A on transcript NM_001122659.3 (MANE Select); coding-DNA position 430, G replaced by A.
Protein change: p.Ala144Thr; replaces alanine 144 with threonine.
Molecular consequence: missense variant.
Genome position (GRCh38, 1-based): chr13:77,918,144, C>T on the plus strand (G>A on the coding strand, the complement: EDNRB is on the minus strand). VCF-style: chr13-77918144-C-T. GRCh37 (hg19) VCF-style: chr13-78492279-C-T.
Other names: c.430G>A, p.Ala144Thr (NM_000115.5, NM_003991.4); c.700G>A, p.Ala234Thr (NM_001201397.2); c.430G>A (NM_000115.3); short protein forms A144T, A234T.
Identifiers: ClinVar variation 1493141 (VCV001493141.9), dbSNP rs2137639284, ClinGen allele CA388452353.
Genomic context (GRCh38, chr13:77,918,144, plus strand): 5'-CCTTTACCTTGTAGACATTGATAGGGATGTCAATGACGATGTGCAGCAGGTCTCCCAGAG[C>T]CAAGCTGGCGATCAAGATATTGGGACCGTTTCGCATGCACTTGTTCTTGTAGATAATTCT-3'
Protein context (NP_001116131.1, residues 134-154): NGPNILIASL[Ala144Thr]LGDLLHIVID